The following is an entry in ClinVar:

ClinVar aggregate classification (germline): Uncertain significance (1 of 4 stars; one submission).

Submission:

Ambry Genetics
Classification: Uncertain significance. Last evaluated: 2022-11-10. Review status: criteria provided, single submitter. Criteria: Ambry Variant Classification Scheme 2023. Collection method: clinical testing. Allele origin: germline.
Comment: The p.C167G variant (also known as c.499T>G), located in coding exon 7 of the RAD54L gene, results from a T to G substitution at nucleotide position 499. The cysteine at codon 167 is replaced by glycine, an amino acid with highly dissimilar properties. This amino acid position is conserved. In addition, this alteration is predicted to be deleterious by in silico analysis. Since supporting evidence is limited at this time, the clinical significance of this alteration remains unclear.

NM_003579.4(RAD54L):c.499T>G (p.Cys167Gly)

Gene: RAD54L (RAD54 like; plus strand). Cytogenetic location: 1p34.1.
Variant type: single nucleotide variant.
Coding change: c.499T>G on transcript NM_003579.4 (MANE Select); coding-DNA position 499, T replaced by G.
Protein change: p.Cys167Gly; replaces cysteine 167 with glycine.
Molecular consequence: missense variant. On other transcripts: 5 prime UTR variant (1).
Genome position (GRCh38, 1-based): chr1:46,260,748, T>G. VCF-style: chr1-46260748-T-G. GRCh37 (hg19) VCF-style: chr1-46726420-T-G.
Other names: c.499T>G, p.Cys167Gly (NM_001142548.2); c.-42T>G (NM_001370766.1); short protein forms C167G.
Identifiers: ClinVar variation 2447786 (VCV002447786.2), dbSNP rs2525668582, ClinGen allele CA340185528.